The following is an entry in ClinVar:

NM_015340.4(LARS2):c.800G>A (p.Gly267Asp)

Gene: LARS2 (leucyl-tRNA synthetase 2, mitochondrial; plus strand). Cytogenetic location: 3p21.31.
Variant type: single nucleotide variant.
Coding change: c.800G>A on transcript NM_015340.4 (MANE Select); coding-DNA position 800, G replaced by A.
Protein change: p.Gly267Asp; replaces glycine 267 with aspartic acid.
Molecular consequence: missense variant.
Genome position (GRCh38, 1-based): chr3:45,474,292, G>A. VCF-style: chr3-45474292-G-A. GRCh37 (hg19) VCF-style: chr3-45515784-G-A.
Other names: c.800G>A, p.Gly267Asp (NM_001368263.1); short protein forms G267D.
Identifiers: ClinVar variation 2444556 (VCV002444556.1), dbSNP rs909085466, ClinGen allele CA73580016.

ClinVar aggregate classification (germline): Uncertain significance (1 of 4 stars; one submission).

Allele frequency attached by ClinVar (database versions not stated): gnomAD exomes below 0.00001; gnomAD 0.00001.
gnomAD v4.1: 3 of 1,611,640 alleles (0.00019%); highest among the groups gnomAD compares: Non-Finnish European, 0.00025%; no homozygotes.

Submission:

GeneDx
Classification: Uncertain significance. Last evaluated: 2022-09-20. Review status: criteria provided, single submitter. Criteria: GeneDx Variant Classification Process June 2021. Collection method: clinical testing. Allele origin: germline. Affected: yes.
Comment: Not observed at significant frequency in large population cohorts (gnomAD); In silico analysis supports that this missense variant does not alter protein structure/function; Has not been previously published as pathogenic or benign to our knowledge